The following is an entry in ClinVar:

ClinVar aggregate classification (germline): Conflicting classifications of pathogenicity. Review status: criteria provided, conflicting classifications (1 of 4 stars). 2 submissions from 2 submitters: Uncertain significance (1); Likely benign (1). Last evaluated 2026-01-06.

Conditions:
Adams-Oliver syndrome 5 (AOS5). Identifiers: Orphanet 974, MedGen C4014970, MONDO:0014459, OMIM 616028.
Familial thoracic aortic aneurysm and aortic dissection (TAAD). Also called: Thoracic aortic aneurysms and dissections. Identifiers: Orphanet 91387, MedGen C4707243, MONDO:0019625.

gnomAD v4.1: 2 of 1,545,924 alleles (0.00013%); highest among the groups gnomAD compares: African/African-American, 0.0014%; no homozygotes.

Submissions (2):

Labcorp Genetics (formerly Invitae), Labcorp
Classification: Likely benign for Adams-Oliver syndrome 5. Last evaluated: 2026-01-06. Review status: criteria provided, single submitter. Criteria: Invitae Variant Classification Sherloc (09022015). Collection method: clinical testing. Allele origin: germline.

Ambry Genetics
Classification: Uncertain significance for Familial thoracic aortic aneurysm and aortic dissection. Last evaluated: 2022-08-20. Review status: criteria provided, single submitter. Criteria: Ambry Variant Classification Scheme 2023. Collection method: clinical testing. Allele origin: germline.
Comment: The p.P1054S variant (also known as c.3160C>T), located in coding exon 19 of the NOTCH1 gene, results from a C to T substitution at nucleotide position 3160. The proline at codon 1054 is replaced by serine, an amino acid with similar properties. This amino acid position is conserved. In addition, this alteration is predicted to be tolerated by in silico analysis. Since supporting evidence is limited at this time, the clinical significance of this alteration remains unclear.

NM_017617.5(NOTCH1):c.3160C>T (p.Pro1054Ser)

Gene: NOTCH1 (notch receptor 1; minus strand). Cytogenetic location: 9q34.3.
Variant type: single nucleotide variant.
Coding change: c.3160C>T on transcript NM_017617.5 (MANE Select); coding-DNA position 3160, C replaced by T.
Protein change: p.Pro1054Ser; replaces proline 1054 with serine.
Molecular consequence: missense variant.
Genome position (GRCh38, 1-based): chr9:136,508,881, G>A on the plus strand (C>T on the coding strand, the complement: NOTCH1 is on the minus strand). VCF-style: chr9-136508881-G-A. GRCh37 (hg19) VCF-style: chr9-139403333-G-A.
Other names: short protein forms P1054S.
Identifiers: ClinVar variation 1728306 (VCV001728306.7), dbSNP rs1018501056, ClinGen allele CA201581124.